The following is an entry in ClinVar:

NM_017950.4(CCDC40):c.1450G>A (p.Glu484Lys)

Gene: CCDC40 (coiled-coil domain 40 molecular ruler complex subunit; plus strand). Cytogenetic location: 17q25.3.
Variant type: single nucleotide variant.
Coding change: c.1450G>A on transcript NM_017950.4 (MANE Select); coding-DNA position 1450, G replaced by A.
Protein change: p.Glu484Lys; replaces glutamic acid 484 with lysine.
Molecular consequence: missense variant.
Genome position (GRCh38, 1-based): chr17:80,065,494, G>A. VCF-style: chr17-80065494-G-A. GRCh37 (hg19) VCF-style: chr17-78039293-G-A.
Other names: p.Glu484Lys; c.1450G>A, p.Glu484Lys (NM_001243342.2, NM_001330508.2); short protein forms E484K.
Identifiers: ClinVar variation 4542221 (VCV004542221.1).

ClinVar aggregate classification (germline): Uncertain significance (1 of 4 stars; one submission).

gnomAD v4.1: 19 of 1,613,072 alleles (0.0012%); highest among the groups gnomAD compares: Admixed American, 0.0033%; no homozygotes.

Submission:

Mayo Clinic Laboratories, Mayo Clinic
Classification: Uncertain significance. Last evaluated: 2025-12-16. Review status: criteria provided, single submitter. Criteria: ACMG Guidelines, 2015. Collection method: clinical testing. Allele origin: germline. Observed: 1 variant allele.
Comment: BP5